The following is an entry in ClinVar:

NM_020738.4(KIDINS220):c.4369G>T (p.Val1457Phe)

Gene: KIDINS220 (kinase D interacting substrate 220; minus strand). Cytogenetic location: 2p25.1.
Variant type: single nucleotide variant.
Coding change: c.4369G>T on transcript NM_020738.4 (MANE Select); coding-DNA position 4369, G replaced by T.
Protein change: p.Val1457Phe; replaces valine 1457 with phenylalanine.
Molecular consequence: missense variant. On other transcripts: intron variant (6).
Genome position (GRCh38, 1-based): chr2:8,731,667, C>A on the plus strand (G>T on the coding strand, the complement: KIDINS220 is on the minus strand). VCF-style: chr2-8731667-C-A. GRCh37 (hg19) VCF-style: chr2-8871797-C-A.
Other names: c.4369G>T (NM_020738.2); c.4372G>T, p.Val1458Phe (NM_001348729.2); c.4315G>T, p.Val1439Phe (NM_001348731.2); c.4312G>T, p.Val1438Phe (NM_001348732.2); c.4201G>T, p.Val1401Phe (NM_001348734.2); c.4198G>T, p.Val1400Phe (NM_001348735.2); c.4072G>T, p.Val1358Phe (NM_001348736.2); c.3882+1777G>T (NM_001348741.2, NM_001348742.2, NM_001348743.2); and 2 more; short protein forms V1358F, V1401F, V1458F, V1400F, V1438F, V1439F, V1457F.
Identifiers: ClinVar variation 1406246 (VCV001406246.24), dbSNP rs201478192, ClinGen allele CA1519375.

ClinVar aggregate classification (germline): Conflicting classifications of pathogenicity. Review status: criteria provided, conflicting classifications (1 of 4 stars). 4 submissions from 4 submitters: Uncertain significance (2); Likely benign (2). Last evaluated 2026-09-01.

Conditions:
Inborn genetic diseases. Identifiers: MedGen C0950123, MeSH D030342.
KIDINS220-related disorder. Also called: KIDINS220-related condition.

Allele frequency attached by ClinVar (database versions not stated): ExAC 0.00024; gnomAD exomes 0.00024 and 0.00023; gnomAD 0.00026 and 0.00028; TOPMed 0.00029; 1000 Genomes Project 30x 0.00031; ESP Exome Variant Server 0.00033; 1000 Genomes Project 0.00020.
gnomAD v4.1: 376 of 1,614,196 alleles (0.023%); highest among the groups gnomAD compares: Middle Eastern, 0.15%; 1 homozygote.

Submissions (4):

CeGaT Center for Human Genetics Tuebingen
Classification: Likely benign. Last evaluated: 2026-09-01. Review status: criteria provided, single submitter. Criteria: CeGaT Center For Human Genetics Tuebingen Variant Classification Criteria Version 2. Collection method: clinical testing. Allele origin: germline. Affected: yes. Observed: 4 variant alleles.
Comment: KIDINS220: BS2

PreventionGenetics, part of Exact Sciences
Classification: Uncertain significance for KIDINS220-related condition. Last evaluated: 2026-08-04. Review status: criteria provided, single submitter. Criteria: ACMG Guidelines, 2015. Collection method: clinical testing. Allele origin: germline.
Comment: The KIDINS220 c.4369G>T variant is predicted to result in the amino acid substitution p.Val1457Phe. To our knowledge, this variant has not been reported in the literature. This variant is reported in 0.040% of alleles in individuals of European (Non-Finnish) descent in gnomAD. Although we suspect that this variant may be benign, at this time, the clinical significance of this variant is uncertain due to the absence of conclusive functional and genetic evidence.

Labcorp Genetics (formerly Invitae), Labcorp
Classification: Uncertain significance. Last evaluated: 2025-10-17. Review status: criteria provided, single submitter. Criteria: Invitae Variant Classification Sherloc (09022015). Collection method: clinical testing. Allele origin: germline.
Comment: This sequence change replaces valine, which is neutral and non-polar, with phenylalanine, which is neutral and non-polar, at codon 1457 of the KIDINS220 protein (p.Val1457Phe). This variant is present in population databases (rs201478192, gnomAD 0.04%). This variant has not been reported in the literature in individuals affected with KIDINS220-related conditions. ClinVar contains an entry for this variant (Variation ID: 1406246). An algorithm developed to predict the effect of missense changes on protein structure and function (PolyPhen-2) suggests that this variant is likely to be disruptive. In summary, the available evidence is currently insufficient to determine the role of this variant in disease. Therefore, it has been classified as a Variant of Uncertain Significance.

Ambry Genetics
Classification: Likely benign for Inborn genetic diseases. Last evaluated: 2022-10-26. Review status: criteria provided, single submitter. Criteria: Ambry Variant Classification Scheme 2023. Collection method: clinical testing. Allele origin: germline.